The following is an entry in ClinVar:

NM_001267550.2(TTN):c.3003G>A (p.Met1001Ile)

Gene: TTN (titin; minus strand). Cytogenetic location: 2q31.2.
Variant type: single nucleotide variant.
Coding change: c.3003G>A on transcript NM_001267550.2 (MANE Select); coding-DNA position 3003, G replaced by A.
Protein change: p.Met1001Ile; replaces methionine 1001 with isoleucine.
Molecular consequence: missense variant.
Genome position (GRCh38, 1-based): chr2:178,782,903, C>T on the plus strand (G>A on the coding strand, the complement: TTN is on the minus strand). VCF-style: chr2-178782903-C-T. GRCh37 (hg19) VCF-style: chr2-179647630-C-T.
Other names: p.M1001I:ATG>ATA; c.3003G>A, p.Met1001Ile (NM_001256850.1, NM_133378.4, NM_133379.5); c.2865G>A, p.Met955Ile (NM_003319.4, NM_133432.3, NM_133437.4); short protein forms M1001I, M955I.
Identifiers: ClinVar variation 202943 (VCV000202943.2), dbSNP rs794729522, ClinGen allele CA310759.
Genomic context (GRCh38, chr2:178,782,903, plus strand): 5'-AGCCTCATTTACAGCACTGCAAGTAAATCGCCCGCTGTCTTCCGCAAATGCTTCGCGAAT[C>T]ATAAGACGAGCAATTCCACTCTGGAAGGTTATCTGGAAGTCAATGGAACTTTCGATTTGG-3'
Protein context (NP_001254479.2, residues 991-1011): ITFQSGIARL[Met1001Ile]IREAFAEDSG

ClinVar aggregate classification (germline): Uncertain significance (1 of 4 stars; one submission).

Allele frequency attached by ClinVar (database versions not stated): gnomAD exomes 0.00001.

Submission:

GeneDx
Classification: Uncertain significance. Last evaluated: 2014-08-29. Review status: criteria provided, single submitter. Criteria: GeneDx Variant Classification (06012015). Collection method: clinical testing. Allele origin: germline. Affected: yes.
Comment: Missense variants in the TTN gene are considered 'unclassified' if they are not previously reported in the literature and do not have >1% frequency in the population to be considered a polymorphism. Research indicates that truncating mutations in the TTN gene are expected to account for approximately 25% of familial and 18% of sporadic idiopathic DCM; however, truncating variants in the TTN gene have been reported in approximately 3% of reported control alleles. There has been little investigation into non-truncating variants. (Herman D et al. Truncations of titin causing dilated cardiomyopathy. N Eng J Med 366:619-628, 2012) The variant is found in CARDIOMYOPATHY panel(s).